The following is an entry in ClinVar:

NM_024675.4(PALB2):c.1611G>A (p.Ser537=)

Gene: PALB2 (partner and localizer of BRCA2; minus strand). Cytogenetic location: 16p12.2.
Variant type: single nucleotide variant.
Coding change: c.1611G>A on transcript NM_024675.4 (MANE Select); coding-DNA position 1611, G replaced by A.
Protein change: p.Ser537=; no amino-acid change (serine 537 retained).
Molecular consequence: synonymous variant.
Genome position (GRCh38, 1-based): chr16:23,634,935, C>T on the plus strand (G>A on the coding strand, the complement: PALB2 is on the minus strand). VCF-style: chr16-23634935-C-T. GRCh37 (hg19) VCF-style: chr16-23646256-C-T.
Identifiers: ClinVar variation 378317 (VCV000378317.31), dbSNP rs730881874, ClinGen allele CA7963693.

ClinVar aggregate classification (germline): Conflicting classifications of pathogenicity. Review status: criteria provided, conflicting classifications (1 of 4 stars). 11 submissions from 11 submitters: Uncertain significance (1); Benign (1); Likely benign (9). Last evaluated 2025-08-04.

Conditions:
Breast-ovarian cancer, familial, susceptibility to, 5 (BROVCA5). Identifiers: MedGen C5830615, MONDO:0957530, OMIM 620442.
Hereditary cancer-predisposing syndrome. Also called: Hereditary neoplastic syndrome; Tumor predisposition; Neoplastic Syndromes, Hereditary; Hereditary Cancer Syndrome. Identifiers: Orphanet 140162, MedGen C0027672, MeSH D009386, MONDO:0015356.
Familial cancer of breast. Also called: Hereditary breast cancer; BREAST CANCER, FAMILIAL; hereditary breast carcinoma. Identifiers: Orphanet 227535, MedGen C0346153, MONDO:0016419, OMIM 114480. Disease mechanism: loss of function.
Fanconi anemia complementation group N. Also called: PALB2-Related Fanconi Anemia. Identifiers: Orphanet 84, MedGen C1835817, MONDO:0012565, OMIM 610832. Disease mechanism: loss of function.

Allele frequency attached by ClinVar (database versions not stated): TOPMed 0.00002; ExAC 0.00001; gnomAD 0.00001; gnomAD exomes 0.00001.
gnomAD v4.1: 22 of 1,613,986 alleles (0.0014%); highest among the groups gnomAD compares: Non-Finnish European, 0.0016%; no homozygotes.

Submissions (11):

Labcorp Genetics (formerly Invitae), Labcorp
Classification: Likely benign for Familial cancer of breast. Last evaluated: 2025-08-04. Review status: criteria provided, single submitter. Criteria: Invitae Variant Classification Sherloc (09022015). Collection method: clinical testing. Allele origin: germline.

ARUP Laboratories, Molecular Genetics and Genomics, ARUP Laboratories
Classification: Likely benign. Last evaluated: 2025-06-12. Review status: criteria provided, single submitter. Criteria: ARUP Molecular Germline Variant Investigation Process 2024. Collection method: clinical testing. Allele origin: germline.

Women's Health and Genetics/Laboratory Corporation of America, LabCorp
Classification: Likely benign. Last evaluated: 2025-04-04. Review status: criteria provided, single submitter. Criteria: LabCorp Variant Classification Summary - May 2015. Collection method: clinical testing. Allele origin: germline.

Myriad Genetics, Inc.
Classification: Benign for Familial cancer of breast. Last evaluated: 2025-01-14. Review status: criteria provided, single submitter. Criteria: Myriad Autosomal Dominant, Autosomal Recessive and X-Linked Classification Criteria (2023). Collection method: clinical testing. Allele origin: unknown.
Comment: This variant is considered benign. This variant is a silent/synonymous amino acid change and it is not expected to impact splicing.

Department of Pathology and Laboratory Medicine, Sinai Health System
Classification: Likely benign for Breast-ovarian cancer, familial, susceptibility to, 5. Last evaluated: 2022-01-11. Review status: criteria provided, single submitter. Criteria: ACMG Guidelines, 2015. Collection method: clinical testing. Allele origin: germline. Affected: yes.

Sema4
Classification: Likely benign for Hereditary cancer-predisposing syndrome. Last evaluated: 2021-11-29. Review status: criteria provided, single submitter. Criteria: Sema4 Curation Guidelines. Collection method: curation. Allele origin: germline.

Mendelics
Classification: Likely benign for Familial cancer of breast. Last evaluated: 2019-05-28. Review status: criteria provided, single submitter. Criteria: Mendelics Assertion Criteria 2017. Collection method: clinical testing. Allele origin: unknown.

GeneDx
Classification: Likely benign. Last evaluated: 2018-09-13. Review status: criteria provided, single submitter. Criteria: GeneDx Variant Classification Process June 2021. Collection method: clinical testing. Allele origin: germline. Affected: yes.

Illumina Laboratory Services, Illumina
Classification: Uncertain significance for Fanconi anemia complementation group N. Last evaluated: 2018-01-13. Review status: criteria provided, single submitter. Criteria: ICSL Variant Classification Criteria 13 December 2019. Collection method: clinical testing. Allele origin: germline.

Color Diagnostics, LLC DBA Color Health
Classification: Likely benign for Hereditary cancer-predisposing syndrome. Last evaluated: 2017-08-14. Review status: criteria provided, single submitter. Criteria: ACMG Guidelines, 2015. Collection method: clinical testing. Allele origin: germline.

Ambry Genetics
Classification: Likely benign for Hereditary cancer-predisposing syndrome. Last evaluated: 2016-07-08. Review status: criteria provided, single submitter. Criteria: Ambry Variant Classification Scheme 2023. Collection method: clinical testing. Allele origin: germline.